The following is an entry in ClinVar:

NM_173477.5(USH1G):c.783del (p.Thr260_Tyr261insTer)

Gene: USH1G (USH1 protein network component sans; minus strand). Cytogenetic location: 17q25.1.
Variant type: Deletion.
Coding change: c.783del on transcript NM_173477.5 (MANE Select); coding-DNA position 783, one base deleted (C; older notation c.783delC).
Protein change: p.Thr260_Tyr261insTer.
Molecular consequence: nonsense.
Genome position (GRCh38, 1-based): chr17:74,920,053, G deleted on the plus strand (C on the coding strand, the reverse complement: USH1G is on the minus strand). VCF-style (leftmost placement, unchanged base first): chr17-74920052-CG-C. GRCh37 (hg19) VCF-style: chr17-72916147-CG-C.
Other names: c.474del, p.Thr157_Tyr158insTer (NM_001282489.3).
Identifiers: ClinVar variation 1452359 (VCV001452359.6), dbSNP rs2144753776, ClinGen allele CA2573154821.
Genomic context (GRCh38, chr17:74,920,052, plus strand): 5'-TGTCCTCGTCCGAGAGGAACATGTCCCGGAGCGGGGCTCGGCCCCACTCCTTGGGATTGG[CG>C]TAGGTGCCCTGGCGCACGAACATCACGTCGCTGCCCAGCTGCAGGCCCGAGAGCGAGCGG-3'

ClinVar aggregate classification (germline): Pathogenic (1 of 4 stars; one submission).

Allele frequency attached by ClinVar (database versions not stated): gnomAD exomes below 0.00001.

Submission:

Labcorp Genetics (formerly Invitae), Labcorp
Classification: Pathogenic. Last evaluated: 2024-02-24. Review status: criteria provided, single submitter. Criteria: Invitae Variant Classification Sherloc (09022015). Collection method: clinical testing. Allele origin: germline.
Comment: This sequence change creates a premature translational stop signal (p.Tyr261*) in the USH1G gene. It is expected to result in an absent or disrupted protein product. Loss-of-function variants in USH1G are known to be pathogenic (PMID: 12588794, 22219650). This variant is not present in population databases (gnomAD no frequency). This variant has not been reported in the literature in individuals affected with USH1G-related conditions. ClinVar contains an entry for this variant (Variation ID: 1452359). For these reasons, this variant has been classified as Pathogenic.

Literature cited by the submitters: PubMed 12588794; PubMed 22219650.